The following is an entry in ClinVar:

ClinVar aggregate classification (germline): Likely pathogenic (1 of 4 stars; one submission).

Conditions:
Cardiovascular phenotype. Identifiers: MedGen CN230736.

Submission:

Ambry Genetics
Classification: Likely pathogenic for Cardiovascular phenotype. Last evaluated: 2026-03-02. Review status: criteria provided, single submitter. Criteria: Ambry Variant Classification Scheme 2023. Collection method: clinical testing. Allele origin: germline.
Comment: The p.E6392* variant (also known as c.19174G>T), located in coding exon 76 of the TTN gene, results from a G to T substitution at nucleotide position 19174. This changes the amino acid from a glutamic acid to a stop codon within coding exon 76. This exon is located in the I-band region of the N2-B isoform of the titin protein and is constitutively expressed in TTN transcripts (percent spliced in or PSI 100%). This variant was reported in individual(s) with features consistent with dilated cardiomyopathy (Ambry internal data). This variant is considered to be rare based on population cohorts in the Genome Aggregation Database (gnomAD). This variant is expected to result in loss of function by premature protein truncation or nonsense-mediated mRNA decay. While truncating variants in TTN are present in 1-3% of the general population, truncating variants in the A-band are the most common cause of dilated cardiomyopathy (Herman DS et al. N. Engl. J. Med., 2012 Feb;366:619-28; Roberts AM et al. Sci Transl Med, 2015 Jan;7:270ra6). TTN truncating variants encoded in constitutive exons (PSI >90%) have been found to be significantly associated with DCM regardless of their position in titin (Schafer S et al. Nat. Genet., 2017 01;49:46-53; Akhtar MM et al. Circ Heart Fail, 2020 Oct;13:e006832; Massier M et al. Clin Genet, 2025 Jan). Based on the majority of available evidence to date, this variant is likely to be pathogenic.

NM_001267550.2(TTN):c.46369G>T (p.Glu15457Ter)

Genes: TTN (titin; minus strand), TTN-AS1 (TTN antisense RNA 1; plus strand). Cytogenetic location: 2q31.2.
Variant type: single nucleotide variant.
Coding change: c.46369G>T on transcript NM_001267550.2 (MANE Select); coding-DNA position 46369, G replaced by T.
Protein change: p.Glu15457Ter; replaces glutamic acid 15457 with a stop codon.
Molecular consequence: nonsense. On other transcripts: non-coding transcript variant (1).
Genome position (GRCh38, 1-based): chr2:178,620,048, C>A on the plus strand (G>T on the coding strand, the complement: TTN is on the minus strand). VCF-style: chr2-178620048-C-A. GRCh37 (hg19) VCF-style: chr2-179484775-C-A.
Other names: c.41446G>T, p.Glu13816Ter (NM_001256850.1); c.19174G>T, p.Glu6392Ter (NM_003319.4); c.38665G>T, p.Glu12889Ter (NM_133378.4); c.19549G>T, p.Glu6517Ter (NM_133432.3); c.19750G>T, p.Glu6584Ter (NM_133437.4); short protein forms E6517*, E6584*, E12889*, E6392*, E13816*, E15457*.
Identifiers: ClinVar variation 4827042 (VCV004827042.1).